The following is an entry in ClinVar:

ClinVar aggregate classification (germline): Uncertain significance. Review status: criteria provided, multiple submitters, no conflicts (2 of 4 stars). 2 submissions from 2 submitters: Uncertain significance (2). Last evaluated 2025-04-12.

Allele frequency attached by ClinVar (database versions not stated): gnomAD exomes below 0.00001; ExAC 0.00001; gnomAD 0.00001; TOPMed 0.00003; 1000 Genomes Project 30x 0.00016; 1000 Genomes Project 0.00020.
gnomAD v4.1: 3 of 1,614,196 alleles (0.00019%); highest among the groups gnomAD compares: Admixed American, 0.0033%; no homozygotes.

Submissions (2):

Ambry Genetics
Classification: Uncertain significance. Last evaluated: 2025-04-12. Review status: criteria provided, single submitter. Criteria: Ambry Variant Classification Scheme 2023. Collection method: clinical testing. Allele origin: germline.

Labcorp Genetics (formerly Invitae), Labcorp
Classification: Uncertain significance. Last evaluated: 2024-04-29. Review status: criteria provided, single submitter. Criteria: Invitae Variant Classification Sherloc (09022015). Collection method: clinical testing. Allele origin: germline.
Comment: This sequence change replaces histidine, which is basic and polar, with arginine, which is basic and polar, at codon 665 of the CEP97 protein (p.His665Arg). This variant is present in population databases (rs535155685, gnomAD 0.003%). This variant has not been reported in the literature in individuals affected with CEP97-related conditions. Advanced modeling of protein sequence and biophysical properties (such as structural, functional, and spatial information, amino acid conservation, physicochemical variation, residue mobility, and thermodynamic stability) performed at Invitae indicates that this missense variant is not expected to disrupt CEP97 protein function with a negative predictive value of 80%. In summary, the available evidence is currently insufficient to determine the role of this variant in disease. Therefore, it has been classified as a Variant of Uncertain Significance.

NM_024548.4(CEP97):c.1994A>G (p.His665Arg)

Gene: CEP97 (centrosomal protein 97; plus strand). Cytogenetic location: 3q12.3.
Variant type: single nucleotide variant.
Coding change: c.1994A>G on transcript NM_024548.4 (MANE Select); coding-DNA position 1994, A replaced by G.
Protein change: p.His665Arg; replaces histidine 665 with arginine.
Molecular consequence: missense variant.
Genome position (GRCh38, 1-based): chr3:101,764,947, A>G. VCF-style: chr3-101764947-A-G. GRCh37 (hg19) VCF-style: chr3-101483791-A-G.
Other names: c.1817A>G, p.His606Arg (NM_001303401.2); c.1892A>G, p.His631Arg (NM_001410784.1); c.1715A>G, p.His572Arg (NM_001410785.1); c.1994A>G (NM_024548.2); short protein forms H572R, H665R, H631R, H606R.
Identifiers: ClinVar variation 2966977 (VCV002966977.4), dbSNP rs535155685, ClinGen allele CA2522254.